The following is an entry in ClinVar:

NM_006759.4(UGP2):c.188A>G (p.His63Arg)

Gene: UGP2 (UDP-glucose pyrophosphorylase 2; plus strand). Cytogenetic location: 2p15.
Variant type: single nucleotide variant.
Coding change: c.188A>G on transcript NM_006759.4 (MANE Select); coding-DNA position 188, A replaced by G.
Protein change: p.His63Arg; replaces histidine 63 with arginine.
Molecular consequence: missense variant. On other transcripts: 5 prime UTR variant (3), intron variant (1).
Genome position (GRCh38, 1-based): chr2:63,857,869, A>G. VCF-style: chr2-63857869-A-G. GRCh37 (hg19) VCF-style: chr2-64085003-A-G.
Other names: c.188A>G (NM_006759.3); c.155A>G, p.His52Arg (NM_001001521.2, NM_001377524.1, NM_001377525.1); c.-173A>G (NM_001377526.1, NM_001377529.1); c.-261A>G (NM_001377528.1); c.-106+16637A>G (NM_001377527.1); short protein forms H52R, H63R.
Identifiers: ClinVar variation 1711501 (VCV001711501.31), dbSNP rs376915072, ClinGen allele CA1683168.
Genomic context (GRCh38, chr2:63,857,869, plus strand): 5'-AATGACTTCTATTTTCACAGCACACCAAAAAAGACCTGGATGGATTTCGGAAGCTATTTC[A>G]TAGATTTTTGCAAGAAAAGGGGCCTTCTGTGGATTGGGGAAAAATCCAGAGACCCCCTGA-3'
Protein context (NP_006750.3, residues 53-73): KDLDGFRKLF[His63Arg]RFLQEKGPSV

ClinVar aggregate classification (germline): Uncertain significance. Review status: criteria provided, multiple submitters, no conflicts (2 of 4 stars). 2 submissions from 2 submitters: Uncertain significance (2). Last evaluated 2024-06-16.

Conditions:
Inborn genetic diseases. Identifiers: MedGen C0950123, MeSH D030342.

Allele frequency attached by ClinVar (database versions not stated): gnomAD 0.00001; TOPMed 0.00002; ESP Exome Variant Server 0.00008.
gnomAD v4.1: 42 of 1,614,026 alleles (0.0026%); highest among the groups gnomAD compares: East Asian, 0.0045%; no homozygotes.

Submissions (2):

Ambry Genetics
Classification: Uncertain significance for Inborn genetic diseases. Last evaluated: 2024-06-16. Review status: criteria provided, single submitter. Criteria: Ambry Variant Classification Scheme 2023. Collection method: clinical testing. Allele origin: germline.

CeGaT Center for Human Genetics Tuebingen
Classification: Uncertain significance. Last evaluated: 2022-09-01. Review status: criteria provided, single submitter. Criteria: CeGaT Center For Human Genetics Tuebingen Variant Classification Criteria Version 2. Collection method: clinical testing. Allele origin: germline. Affected: yes. Observed: 1 variant allele.
Comment: UGP2: PM2